The following is an entry in ClinVar:

ClinVar aggregate classification (germline): Benign/Likely benign. Review status: criteria provided, multiple submitters, no conflicts (2 of 4 stars). 7 submissions from 4 submitters: Benign (1); Likely benign (6). Last evaluated 2023-04-11.

Conditions:
Congenital myopathy 18. Also called: Myopathy, congenital, due to dihydropyridine receptor defect; DIHYDROPYRIDINE RECEPTOR CONGENITAL MYOPATHY; DHPR CONGENITAL MYOPATHY. Identifiers: MedGen C5830283, MONDO:0859514, OMIM 620246.
Malignant hyperthermia, susceptibility to, 5 (MHS5). Also called: CACNA1S-Related Malignant Hyperthermia Susceptibility. Identifiers: Orphanet 423, MedGen C1866077, MONDO:0011163, OMIM 601887.
Thyrotoxic periodic paralysis, susceptibility to, 1 (TTPP1). Identifiers: Orphanet 79102, MedGen C2749982, MONDO:0008570, OMIM 188580.
Hypokalemic periodic paralysis, type 1. Also called: Hypokalemic Periodic Paralysis Type 1 (AD); HypoPP. Identifiers: Orphanet 681, MedGen C3714580, MONDO:0042979, OMIM 170400.

Allele frequency attached by ClinVar (database versions not stated): gnomAD exomes 0.00303; gnomAD 0.00535 and 0.00558; TOPMed 0.00544; 1000 Genomes Project 30x 0.00593; 1000 Genomes Project 0.00679.
gnomAD v4.1: 5,205 of 1,608,036 alleles (0.32%); highest among the groups gnomAD compares: African/African-American, 1.2%; 16 homozygotes.

Submissions (7):

Genome-Nilou Lab
Classification: Likely benign for Malignant hyperthermia, susceptibility to, 5. Last evaluated: 2023-04-11. Review status: criteria provided, single submitter. Criteria: ACMG Guidelines, 2015. Collection method: clinical testing. Allele origin: germline. Affected: no.

Genome-Nilou Lab
Classification: Likely benign for Thyrotoxic periodic paralysis, susceptibility to, 1. Last evaluated: 2023-04-11. Review status: criteria provided, single submitter. Criteria: ACMG Guidelines, 2015. Collection method: clinical testing. Allele origin: germline. Affected: no.

Genome-Nilou Lab
Classification: Likely benign for Congenital myopathy 18. Last evaluated: 2023-04-11. Review status: criteria provided, single submitter. Criteria: ACMG Guidelines, 2015. Collection method: clinical testing. Allele origin: germline. Affected: no.

Genome-Nilou Lab
Classification: Likely benign for Hypokalemic periodic paralysis, type 1. Last evaluated: 2023-04-11. Review status: criteria provided, single submitter. Criteria: ACMG Guidelines, 2015. Collection method: clinical testing. Allele origin: germline. Affected: no.

GeneDx
Classification: Likely benign. Last evaluated: 2018-10-28. Review status: criteria provided, single submitter. Criteria: GeneDx Variant Classification Process June 2021. Collection method: clinical testing. Allele origin: germline. Affected: yes.

Blueprint Genetics
Classification: Likely benign. Last evaluated: 2018-04-18. Review status: criteria provided, single submitter. Criteria: ACMG Guidelines, 2015. Collection method: clinical testing. Allele origin: germline.

Illumina Laboratory Services, Illumina
Classification: Benign for Hypokalemic periodic paralysis, type 1. Last evaluated: 2018-01-13. Review status: criteria provided, single submitter. Criteria: ICSL Variant Classification Criteria 13 December 2019. Collection method: clinical testing. Allele origin: germline.
Comment: This variant was observed in the ICSL laboratory as part of a predisposition screen in an ostensibly healthy population. It had not been previously curated by ICSL or reported in the Human Gene Mutation Database (HGMD: prior to June 1st, 2018), and was therefore a candidate for classification through an automated scoring system. Utilizing variant allele frequency, disease prevalence and penetrance estimates, and inheritance mode, an automated score was calculated to assess if this variant is too frequent to cause the disease. Based on the score and internal cut-off values, a variant classified as benign is not then subjected to further curation. The score for this variant resulted in a classification of benign for this disease.

NM_000069.3(CACNA1S):c.-68T>C

Gene: CACNA1S (calcium voltage-gated channel subunit alpha1 S; minus strand). Cytogenetic location: 1q32.1.
Variant type: single nucleotide variant.
Coding change: c.-68T>C on transcript NM_000069.3 (MANE Select); 68 bases upstream of the start codon, T replaced by C.
Molecular consequence: 5 prime UTR variant.
Genome position (GRCh38, 1-based): chr1:201,112,407, A>G on the plus strand (T>C on the coding strand, the complement: CACNA1S is on the minus strand). VCF-style: chr1-201112407-A-G. GRCh37 (hg19) VCF-style: chr1-201081535-A-G.
Identifiers: ClinVar variation 294788 (VCV000294788.10), dbSNP rs140748567, ClinGen allele CA10609411.